The following is an entry in ClinVar:

ClinVar aggregate classification (germline): Uncertain significance. Review status: criteria provided, multiple submitters, no conflicts (2 of 4 stars). 3 submissions from 3 submitters: Uncertain significance (3). Last evaluated 2026-03-03.

Conditions:
Dextro-looped transposition of the great arteries. Also called: Dextrotransposition of the great arteries. Identifiers: Orphanet 860, MedGen C3531771, MONDO:0019443, OMIM 608808, HP:0031348.
Cardiac anomalies - developmental delay - facial dysmorphism syndrome (MRFACD). Also called: Impaired intellectual development and distinctive facial features with or without cardiac defects; MED13L Syndrome. Identifiers: Orphanet 369891, MedGen C5192431, MONDO:0014773, OMIM 616789.
Inborn genetic diseases. Identifiers: MedGen C0950123, MeSH D030342.

gnomAD v4.1: 1 of 1,614,222 alleles (0.000062%); highest among the groups gnomAD compares: Admixed American, 0.0017%; no homozygotes.

Submissions (3):

Ambry Genetics
Classification: Uncertain significance for Inborn genetic diseases. Last evaluated: 2026-03-03. Review status: criteria provided, single submitter. Criteria: Ambry Variant Classification Scheme 2023. Collection method: clinical testing. Allele origin: germline.

Labcorp Genetics (formerly Invitae), Labcorp
Classification: Uncertain significance for Dextro-looped transposition of the great arteries. Last evaluated: 2023-08-27. Review status: criteria provided, single submitter. Criteria: Invitae Variant Classification Sherloc (09022015). Collection method: clinical testing. Allele origin: germline.
Comment: This variant is present in population databases (no rsID available, gnomAD 0.003%). This sequence change replaces serine, which is neutral and polar, with cysteine, which is neutral and slightly polar, at codon 1578 of the MED13L protein (p.Ser1578Cys). This variant has not been reported in the literature in individuals affected with MED13L-related conditions. ClinVar contains an entry for this variant (Variation ID: 2433721). Advanced modeling of protein sequence and biophysical properties (such as structural, functional, and spatial information, amino acid conservation, physicochemical variation, residue mobility, and thermodynamic stability) performed at Invitae indicates that this missense variant is not expected to disrupt MED13L protein function. In summary, the available evidence is currently insufficient to determine the role of this variant in disease. Therefore, it has been classified as a Variant of Uncertain Significance.

Revvity Omics, Revvity
Classification: Uncertain significance for Cardiac anomalies - developmental delay - facial dysmorphism syndrome. Last evaluated: 2023-04-12. Review status: criteria provided, single submitter. Criteria: ACMG Guidelines, 2015. Collection method: clinical testing. Allele origin: germline.

NM_015335.5(MED13L):c.4733C>G (p.Ser1578Cys)

Gene: MED13L (mediator complex subunit 13L; minus strand). Cytogenetic location: 12q24.21.
Variant type: single nucleotide variant.
Coding change: c.4733C>G on transcript NM_015335.5 (MANE Select); coding-DNA position 4733, C replaced by G.
Protein change: p.Ser1578Cys; replaces serine 1578 with cysteine.
Molecular consequence: missense variant.
Genome position (GRCh38, 1-based): chr12:115,983,339, G>C on the plus strand (C>G on the coding strand, the complement: MED13L is on the minus strand). VCF-style: chr12-115983339-G-C. GRCh37 (hg19) VCF-style: chr12-116421144-G-C.
Other names: short protein forms S1578C.
Identifiers: ClinVar variation 2433721 (VCV002433721.7), dbSNP rs898633108, ClinGen allele CA386882991.